The following is an entry in ClinVar:

ClinVar aggregate classification (germline): Uncertain significance (1 of 4 stars; one submission).

Conditions:
Cardiovascular phenotype. Identifiers: MedGen CN230736.

Submission:

Ambry Genetics
Classification: Uncertain significance for Cardiovascular phenotype. Last evaluated: 2026-09-13. Review status: criteria provided, single submitter. Criteria: Ambry Variant Classification Scheme 2023. Collection method: clinical testing. Allele origin: germline.
Comment: The p.S43R variant (also known as c.127A>C), located in coding exon 1 of the PKP2 gene, results from an A to C substitution at nucleotide position 127. The serine at codon 43 is replaced by arginine, an amino acid with dissimilar properties. This amino acid position is conserved. In addition, this alteration is predicted to be tolerated by in silico analysis. Based on the available evidence, the clinical significance of this variant remains unclear.

NM_001005242.3(PKP2):c.127A>C (p.Ser43Arg)

Gene: PKP2 (plakophilin 2; minus strand). Cytogenetic location: 12p11.21.
Variant type: single nucleotide variant.
Coding change: c.127A>C on transcript NM_001005242.3 (MANE Select); coding-DNA position 127, A replaced by C.
Protein change: p.Ser43Arg; replaces serine 43 with arginine.
Molecular consequence: missense variant. On other transcripts: 5 prime UTR variant (4).
Genome position (GRCh38, 1-based): chr12:32,896,605, T>G on the plus strand (A>C on the coding strand, the complement: PKP2 is on the minus strand). VCF-style: chr12-32896605-T-G. GRCh37 (hg19) VCF-style: chr12-33049539-T-G.
Other names: c.127A>C, p.Ser43Arg (NM_001407155.1, NM_001407156.1, NM_001407157.1 and 2 more transcripts); c.-700A>C (NM_001407158.1, NM_001407162.1); c.-464A>C (NM_001407159.1, NM_001407160.1); short protein forms S43R.
Identifiers: ClinVar variation 5026793 (VCV005026793.1).
Genomic context (GRCh38, chr12:32,896,605, plus strand): 5'-TCTGCTGCACCTGCTCCTGGATCCGCAGGCTCTTGACTGTCTGGCCGCCGCGGCCGCTGC[T>G]CCCCGCCAGCTTCAGCTTGGCCTCGGAGGGCAGCGCCAGGCTGGAGCTGTCCAGTTGTCC-3'
Protein context (NP_001005242.2, residues 33-53): PSEAKLKLAG[Ser43Arg]SGRGGQTVKS